The following is an entry in ClinVar:

NC_000014.9:g.105600505T>C

Genes: IGHE (immunoglobulin heavy constant epsilon; minus strand), IGH (immunoglobulin heavy locus; minus strand). Cytogenetic location: 14q32.33.
Variant type: single nucleotide variant.
Genome position: GRCh38 VCF-style: chr14-105600505-T-C. GRCh37 (hg19) VCF-style: chr14-106066842-T-C.
Identifiers: ClinVar variation 2644924 (VCV002644924.24), dbSNP rs375625414, ClinGen allele CA7392043.
Genomic context (GRCh38, chr14:105,600,505, plus strand): 5'-CCCTTCCCCCACGACCCCGGCCTGCCCATGGCTCACCGCTGGTCTTGGTCGTGGACCGCA[T>C]GAGGGCCCTGGGCAGGTGGGGGTGGGTCACCCTGCACTGGTAGGTCTCCCCCTCGATCCA-3'

ClinVar aggregate classification (germline): Likely benign (1 of 4 stars; one submission).

Allele frequency attached by ClinVar (database versions not stated): ExAC 0.00051; gnomAD exomes 0.00095; gnomAD 0.00112; TOPMed 0.00119; 1000 Genomes Project 30x 0.00328.

Submission:

CeGaT Center for Human Genetics Tuebingen
Classification: Likely benign. Last evaluated: 2022-12-01. Review status: criteria provided, single submitter. Criteria: CeGaT Center For Human Genetics Tuebingen Variant Classification Criteria Version 2. Collection method: clinical testing. Allele origin: germline. Affected: yes. Observed: 1 variant allele.
Comment: IGHE: BS2